The following is an entry in ClinVar:

ClinVar aggregate classification (germline): Uncertain significance. Review status: criteria provided, multiple submitters, no conflicts (2 of 4 stars). 2 submissions from 2 submitters: Uncertain significance (2). Last evaluated 2025-11-03.

Conditions:
Tuberous sclerosis 2 (TSC2). Identifiers: Orphanet 805, MedGen C1860707, MONDO:0013199, OMIM 613254.
Hereditary cancer-predisposing syndrome. Also called: Neoplastic Syndromes, Hereditary; Hereditary neoplastic syndrome; Hereditary Cancer Syndrome; Tumor predisposition. Identifiers: Orphanet 140162, MedGen C0027672, MeSH D009386, MONDO:0015356.

gnomAD v4.1: 1 of 1,613,602 alleles (0.000062%); no homozygotes.

Submissions (2):

Ambry Genetics
Classification: Uncertain significance for Hereditary cancer-predisposing syndrome. Last evaluated: 2025-11-03. Review status: criteria provided, single submitter. Criteria: Ambry Variant Classification Scheme 2023. Collection method: clinical testing. Allele origin: germline.
Comment: The p.G752S variant (also known as c.2254G>A), located in coding exon 20 of the TSC2 gene, results from a G to A substitution at nucleotide position 2254. The glycine at codon 752 is replaced by serine, an amino acid with similar properties. This amino acid position is conserved. In addition, the in silico prediction for this alteration is inconclusive. Based on the available evidence, the clinical significance of this variant remains unclear.

Labcorp Genetics (formerly Invitae), Labcorp
Classification: Uncertain significance for Tuberous sclerosis 2. Last evaluated: 2021-01-16. Review status: criteria provided, single submitter. Criteria: Invitae Variant Classification Sherloc (09022015). Collection method: clinical testing. Allele origin: germline.
Comment: In summary, the available evidence is currently insufficient to determine the role of this variant in disease. Therefore, it has been classified as a Variant of Uncertain Significance. Advanced modeling of protein sequence and biophysical properties (such as structural, functional, and spatial information, amino acid conservation, physicochemical variation, residue mobility, and thermodynamic stability) performed at Invitae indicates that this missense variant is not expected to disrupt TSC2 protein function. This variant has not been reported in the literature in individuals with TSC2-related conditions. This variant is not present in population databases (ExAC no frequency). This sequence change replaces glycine with serine at codon 752 of the TSC2 protein (p.Gly752Ser). The glycine residue is moderately conserved and there is a small physicochemical difference between glycine and serine.

NM_000548.5(TSC2):c.2254G>A (p.Gly752Ser)

Gene: TSC2 (TSC complex subunit 2; plus strand). Cytogenetic location: 16p13.3.
Variant type: single nucleotide variant.
Coding change: c.2254G>A on transcript NM_000548.5 (MANE Select); coding-DNA position 2254, G replaced by A.
Protein change: p.Gly752Ser; replaces glycine 752 with serine.
Molecular consequence: missense variant.
Genome position (GRCh38, 1-based): chr16:2,072,882, G>A. VCF-style: chr16-2072882-G-A. GRCh37 (hg19) VCF-style: chr16-2122883-G-A.
Other names: c.2287G>A, p.Gly763Ser (NM_001318832.2); c.2254G>A, p.Gly752Ser (NM_001363528.2, NM_001370404.1, NM_001370405.1 and 3 more transcripts); c.2254G>A (NM_000548.3); c.2143G>A, p.Gly715Ser (NM_001318827.2); c.2107G>A, p.Gly703Ser (NM_001318829.2); c.1654G>A, p.Gly552Ser (NM_001318831.2); short protein forms G715S, G703S, G552S, G752S, G763S.
Identifiers: ClinVar variation 1403817 (VCV001403817.9), dbSNP rs2151326864, ClinGen allele CA394276356.